The following is an entry in ClinVar:

NM_015506.3(MMACHC):c.848del (p.Ter283TyrextTer?)

Gene: MMACHC (metabolism of cobalamin associated C; plus strand). Cytogenetic location: 1p34.1.
Variant type: Deletion.
Coding change: c.848del on transcript NM_015506.3 (MANE Select); coding-DNA position 848, one base deleted (G; older notation c.848delG).
Protein change: p.Ter283TyrextTer?.
Molecular consequence: frameshift variant, stop lost.
Genome position (GRCh38, 1-based): chr1:45,509,214, G deleted. VCF-style (leftmost placement, unchanged base first): chr1-45509213-TG-T. GRCh37 (hg19) VCF-style: chr1-45974885-TG-T.
Other names: c.848delG (NM_015506.3); c.677del, p.Ter226TyrextTer? (NM_001330540.2).
Identifiers: ClinVar variation 551602 (VCV000551602.5), dbSNP rs1553163024, ClinGen allele CA522559768.

ClinVar aggregate classification (germline): Uncertain significance. Review status: criteria provided, multiple submitters, no conflicts (2 of 4 stars). 4 submissions from 4 submitters: Uncertain significance (3). 1 of the submissions does not count toward it. Last evaluated 2026-02-02.

Conditions:
Cobalamin C disease. Also called: Cobalamin-C methylmalonic acidemia and homocystinuria; Methylmalonic acidemia and homocystinuria cblC type; Methylmalonic aciduria and homocystinuria, Vitamin B12-responsive; Vitamin B12 metabolic defect with combined deficiency of methylmalonyl-CoA mutase and homocysteine:methyltetrahydrofolate methyltransferase; methylmalonic aciduria and homocystinuria type cblC; Methylmalonic aciduria with homocystinuria cblC type. Identifiers: Orphanet 26, Orphanet 79282, MedGen C1848561, MONDO:0010184, OMIM 277400.

Allele frequency attached by ClinVar (database versions not stated): gnomAD below 0.00001 and 0.00001; gnomAD exomes below 0.00001; TOPMed 0.00001.

Submissions (4):

Women's Health and Genetics/Laboratory Corporation of America, LabCorp
Classification: Uncertain significance. Last evaluated: 2026-02-02. Review status: criteria provided, single submitter. Criteria: LabCorp Variant Classification Summary - May 2015. Collection method: clinical testing. Allele origin: germline.
Comment: Variant summary: MMACHC c.848delG (p.X283TyrfsX8) causes a frameshift which results in an extension of the protein. The variant allele was found at a frequency of 4e-06 in 248512 control chromosomes. The available data on variant occurrences in the general population are insufficient to allow any conclusion about variant significance. To our knowledge, no occurrence of c.848delG in individuals affected with MMACHC-related conditions and no experimental evidence demonstrating its impact on protein function have been reported. ClinVar contains an entry for this variant (Variation ID: 551602). Based on the evidence outlined above, the variant was classified as uncertain significance.

Neuberg Centre For Genomic Medicine, NCGM
Classification: Uncertain significance for Cobalamin C disease. Last evaluated: 2023-03-01. Review status: criteria provided, single submitter. Criteria: ACMG Guidelines, 2015. Collection method: clinical testing. Allele origin: germline. Inheritance: Autosomal recessive inheritance. Affected: yes.
Comment: The frame shift c.848del (p.Ter283TyrfsTer8) variant in MMACHC gene has not been reported previously as a pathogenic variant nor as a benign variant, to our knowledge. The p.Ter283TyrfsTer8 variant has allele frequency 0.0004% in gnomAD Exomes and is novel (not in any individuals) in 1000 Genomes. This variant has been reported to the ClinVar database as Uncertain Significance. Frame shift change, the sequence of a stop codon is changed to specify an amino acid Tyrosine instead and translation will continue until another stop codon is found at position Ter8. Loss of function variants have been previously reported to be disease causing. However, since this variant is present in the last exon, functional studies will be required to prove protein truncation to prove protein truncation. Hence for these reasons, this variant has been classified as uncertain significance (VUS).

Blueprint Genetics
Classification: Uncertain significance. Last evaluated: 2022-12-15. Review status: criteria provided, single submitter. Criteria: ACMG Guidelines, 2015. Collection method: clinical testing. Allele origin: germline.

Counsyl
Classification: Uncertain significance for Cobalamin C disease. Last evaluated: 2017-04-24. Review status: no assertion criteria provided. Collection method: clinical testing. Allele origin: unknown. Not counted in ClinVar's aggregate classification.